The following is an entry in ClinVar:

ClinVar aggregate classification (germline): Uncertain significance (1 of 4 stars; one submission).

Conditions:
Developmental and epileptic encephalopathy, 23 (DEE23). Also called: Epileptic encephalopathy, early infantile, 23. Identifiers: Orphanet 411986, MedGen C4014492, MONDO:0014371, OMIM 615859.

Submission:

Labcorp Genetics (formerly Invitae), Labcorp
Classification: Uncertain significance for Developmental and epileptic encephalopathy, 23. Last evaluated: 2021-09-29. Review status: criteria provided, single submitter. Criteria: Invitae Variant Classification Sherloc (09022015). Collection method: clinical testing. Allele origin: germline.
Comment: This variant is not present in population databases (ExAC no frequency). This sequence change replaces serine with leucine at codon 1225 of the DOCK7 protein (p.Ser1225Leu). The serine residue is moderately conserved and there is a large physicochemical difference between serine and leucine. This variant has not been reported in the literature in individuals affected with DOCK7-related conditions. In summary, the available evidence is currently insufficient to determine the role of this variant in disease. Therefore, it has been classified as a Variant of Uncertain Significance. Algorithms developed to predict the effect of missense changes on protein structure and function (SIFT, PolyPhen-2, Align-GVGD) all suggest that this variant is likely to be tolerated.

NM_001367561.1(DOCK7):c.3674C>T (p.Ser1225Leu)

Gene: DOCK7 (dedicator of cytokinesis 7; minus strand). Cytogenetic location: 1p31.3.
Variant type: single nucleotide variant.
Coding change: c.3674C>T on transcript NM_001367561.1 (MANE Select); coding-DNA position 3674, C replaced by T.
Protein change: p.Ser1225Leu; replaces serine 1225 with leucine.
Molecular consequence: missense variant.
Genome position (GRCh38, 1-based): chr1:62,529,384, G>A on the plus strand (C>T on the coding strand, the complement: DOCK7 is on the minus strand). VCF-style: chr1-62529384-G-A. GRCh37 (hg19) VCF-style: chr1-62995055-G-A.
Other names: c.3674C>T, p.Ser1225Leu (NM_001271999.2, NM_001330614.2); c.3581C>T, p.Ser1194Leu (NM_001272000.2, NM_001272001.2, NM_033407.4); short protein forms S1194L, S1225L.
Identifiers: ClinVar variation 1345855 (VCV001345855.6), dbSNP rs567967718, ClinGen allele CA340601029.